The following is an entry in ClinVar:

ClinVar aggregate classification (germline): Uncertain significance (1 of 4 stars; one submission).

Conditions:
Bethlem myopathy 1A. Also called: Bethlem myopathy 1; Bethlem Muscular Dystrophy; MYOPATHY, BENIGN CONGENITAL, WITH CONTRACTURES. Identifiers: Orphanet 610, MedGen CN029274, MONDO:0024530, OMIM 158810.

gnomAD v4.1: 4 of 1,601,022 alleles (0.00025%); highest among the groups gnomAD compares: Non-Finnish European, 0.00034%; no homozygotes.

Submission:

Labcorp Genetics (formerly Invitae), Labcorp
Classification: Uncertain significance for Bethlem myopathy 1A. Last evaluated: 2025-12-23. Review status: criteria provided, single submitter. Criteria: Invitae Variant Classification Sherloc (09022015). Collection method: clinical testing. Allele origin: germline.
Comment: This sequence change replaces serine, which is neutral and polar, with phenylalanine, which is neutral and non-polar, at codon 826 of the COL6A1 protein (p.Ser826Phe). This variant is not present in population databases (gnomAD no frequency). This variant has not been reported in the literature in individuals affected with COL6A1-related conditions. Invitae Evidence Modeling of protein sequence and biophysical properties (such as structural, functional, and spatial information, amino acid conservation, physicochemical variation, residue mobility, and thermodynamic stability) indicates that this missense variant is not expected to disrupt COL6A1 protein function with a negative predictive value of 95%. In summary, the available evidence is currently insufficient to determine the role of this variant in disease. Therefore, it has been classified as a Variant of Uncertain Significance.

NM_001848.3(COL6A1):c.2477C>T (p.Ser826Phe)

Gene: COL6A1 (collagen type VI alpha 1 chain; plus strand). Cytogenetic location: 21q22.3.
Variant type: single nucleotide variant.
Coding change: c.2477C>T on transcript NM_001848.3 (MANE Select); coding-DNA position 2477, C replaced by T.
Protein change: p.Ser826Phe; replaces serine 826 with phenylalanine.
Molecular consequence: missense variant.
Genome position (GRCh38, 1-based): chr21:46,003,403, C>T. VCF-style: chr21-46003403-C-T. GRCh37 (hg19) VCF-style: chr21-47423317-C-T.
Other names: short protein forms S826F.
Identifiers: ClinVar variation 4772110 (VCV004772110.1).